The following is an entry in ClinVar:

NM_000465.4(BARD1):c.2264T>G (p.Val755Gly)

Gene: BARD1 (BRCA1 associated RING domain 1; minus strand). Cytogenetic location: 2q35.
Variant type: single nucleotide variant.
Coding change: c.2264T>G on transcript NM_000465.4 (MANE Select); coding-DNA position 2264, T replaced by G.
Protein change: p.Val755Gly; replaces valine 755 with glycine.
Molecular consequence: missense variant. On other transcripts: non-coding transcript variant (3).
Genome position (GRCh38, 1-based): chr2:214,728,746, A>C on the plus strand (T>G on the coding strand, the complement: BARD1 is on the minus strand). VCF-style: chr2-214728746-A-C. GRCh37 (hg19) VCF-style: chr2-215593470-A-C.
Other names: c.2207T>G, p.Val736Gly (NM_001282543.2); c.911T>G, p.Val304Gly (NM_001282545.2); c.854T>G, p.Val285Gly (NM_001282548.2); c.725T>G, p.Val242Gly (NM_001282549.2); c.2264T>G (NM_000465.2); short protein forms V736G, V755G, V285G, V242G, V304G.
Identifiers: ClinVar variation 2813308 (VCV002813308.5), dbSNP rs1553612049, ClinGen allele CA350449963.

ClinVar aggregate classification (germline): Uncertain significance. Review status: criteria provided, multiple submitters, no conflicts (2 of 4 stars). 3 submissions from 3 submitters: Uncertain significance (3). Last evaluated 2026-03-09.

Conditions:
Familial cancer of breast. Also called: BREAST CANCER, FAMILIAL; Hereditary breast cancer; hereditary breast carcinoma. Identifiers: Orphanet 227535, MedGen C0346153, MONDO:0016419, OMIM 114480. Disease mechanism: loss of function.
Hereditary cancer-predisposing syndrome. Also called: Tumor predisposition; Neoplastic Syndromes, Hereditary; Hereditary Cancer Syndrome; Hereditary neoplastic syndrome. Identifiers: Orphanet 140162, MedGen C0027672, MeSH D009386, MONDO:0015356.

Submissions (3):

Ambry Genetics
Classification: Uncertain significance for Hereditary cancer-predisposing syndrome. Last evaluated: 2026-03-09. Review status: criteria provided, single submitter. Criteria: Ambry Variant Classification Scheme 2023. Collection method: clinical testing. Allele origin: germline.
Comment: The p.V755G variant (also known as c.2264T>G), located in coding exon 11 of the BARD1 gene, results from a T to G substitution at nucleotide position 2264. The valine at codon 755 is replaced by glycine, an amino acid with dissimilar properties. This amino acid position is conserved. In addition, the in silico prediction for this alteration is inconclusive. Based on the available evidence, the clinical significance of this variant remains unclear.

Labcorp Genetics (formerly Invitae), Labcorp
Classification: Uncertain significance for Familial cancer of breast. Last evaluated: 2025-03-26. Review status: criteria provided, single submitter. Criteria: Invitae Variant Classification Sherloc (09022015). Collection method: clinical testing. Allele origin: germline.
Comment: This sequence change replaces valine, which is neutral and non-polar, with glycine, which is neutral and non-polar, at codon 755 of the BARD1 protein (p.Val755Gly). This variant is not present in population databases (gnomAD no frequency). This variant has not been reported in the literature in individuals affected with BARD1-related conditions. ClinVar contains an entry for this variant (Variation ID: 2813308). An algorithm developed to predict the effect of missense changes on protein structure and function (PolyPhen-2) suggests that this variant is likely to be disruptive. In summary, the available evidence is currently insufficient to determine the role of this variant in disease. Therefore, it has been classified as a Variant of Uncertain Significance.

GeneDx
Classification: Uncertain significance. Last evaluated: 2023-06-12. Review status: criteria provided, single submitter. Criteria: GeneDx Variant Classification Process June 2021. Collection method: clinical testing. Allele origin: germline. Affected: yes.
Comment: Not observed at significant frequency in large population cohorts (gnomAD); In silico analysis supports that this missense variant has a deleterious effect on protein structure/function; Has not been previously published as pathogenic or benign to our knowledge; This variant is associated with the following publications: (PMID: 17550235)